The following is an entry in ClinVar:

ClinVar aggregate classification (germline): Uncertain significance (1 of 4 stars; one submission).

Conditions:
Hereditary cancer-predisposing syndrome. Also called: Hereditary Cancer Syndrome; Tumor predisposition; Hereditary neoplastic syndrome; Neoplastic Syndromes, Hereditary. Identifiers: Orphanet 140162, MedGen C0027672, MeSH D009386, MONDO:0015356.

gnomAD v4.1: 1 of 1,591,186 alleles (0.000063%); highest among the groups gnomAD compares: East Asian, 0.0022%; no homozygotes.

Submission:

Ambry Genetics
Classification: Uncertain significance for Hereditary cancer-predisposing syndrome. Last evaluated: 2024-04-16. Review status: criteria provided, single submitter. Criteria: Ambry Variant Classification Scheme 2023. Collection method: clinical testing. Allele origin: germline.
Comment: The p.D1340E variant (also known as c.4020T>G), located in coding exon 10 of the BRCA2 gene, results from a T to G substitution at nucleotide position 4020. The aspartic acid at codon 1340 is replaced by glutamic acid, an amino acid with highly similar properties. This amino acid position is conserved. In addition, this alteration is predicted to be tolerated by in silico analysis. Based on the available evidence, the clinical significance of this variant remains unclear.

NM_000059.4(BRCA2):c.4020T>G (p.Asp1340Glu)

Gene: BRCA2 (BRCA2 DNA repair associated; plus strand). Cytogenetic location: 13q13.1.
Variant type: single nucleotide variant.
Coding change: c.4020T>G on transcript NM_000059.4 (MANE Select); coding-DNA position 4020, T replaced by G.
Protein change: p.Asp1340Glu; replaces aspartic acid 1340 with glutamic acid.
Molecular consequence: missense variant. On other transcripts: non-coding transcript variant (1), intron variant (2).
Genome position (GRCh38, 1-based): chr13:32,338,375, T>G. VCF-style: chr13-32338375-T-G. GRCh37 (hg19) VCF-style: chr13-32912512-T-G.
Other names: c.4020T>G, p.Asp1340Glu (NM_001406719.1, NM_001406720.1); c.1909+4988T>G (NM_001406721.1); c.425-6183T>G (NM_001406722.1); short protein forms D1340E.
Identifiers: ClinVar variation 3261593 (VCV003261593.1).